The following is an entry in ClinVar:

NM_033641.4(COL4A6):c.3779C>T (p.Pro1260Leu)

Gene: COL4A6 (collagen type IV alpha 6 chain; minus strand). Cytogenetic location: Xq22.3.
Variant type: single nucleotide variant.
Coding change: c.3779C>T on transcript NM_033641.4 (MANE Select); coding-DNA position 3779, C replaced by T.
Protein change: p.Pro1260Leu; replaces proline 1260 with leucine.
Molecular consequence: missense variant.
Genome position (GRCh38, 1-based): chrX:108,165,399, G>A on the plus strand (C>T on the coding strand, the complement: COL4A6 is on the minus strand). VCF-style: chrX-108165399-G-A. GRCh37 (hg19) VCF-style: chrX-107408629-G-A.
Other names: c.3830C>T, p.Pro1277Leu (NM_001287758.2); c.3707C>T, p.Pro1236Leu (NM_001287759.2, NM_001287760.2); c.3782C>T, p.Pro1261Leu (NM_001847.4); short protein forms P1260L, P1277L, P1261L, P1236L.
Identifiers: ClinVar variation 1401434 (VCV001401434.8), dbSNP rs759348810, ClinGen allele CA10487343.
Genomic context (GRCh38, chrX:108,165,399, plus strand): 5'-GCTAGCCCTCTTTTGGGCTTCCTGTCTTTACCTCGTTCTCCATCTAGGCCTGGTCGCCCG[G>A]GGTCACCAGGCTGTCCTGCTATGAGTGAGGGCAAGGAGATGCCTGGGGCACCGGGGAGAC-3'
Protein context (NP_378667.1, residues 1250-1270): PSLIAGQPGD[Pro1260Leu]GRPGLDGERG

ClinVar aggregate classification (germline): Uncertain significance (1 of 4 stars; one submission).

Allele frequency attached by ClinVar (database versions not stated): ExAC 0.00001; gnomAD exomes 0.00002; 1000 Genomes Project 30x 0.00021; 1000 Genomes Project 0.00026.
gnomAD v4.1: 5 of 1,208,032 alleles (0.00041%); highest among the groups gnomAD compares: East Asian, 0.012%; no homozygotes.

Submission:

Labcorp Genetics (formerly Invitae), Labcorp
Classification: Uncertain significance. Last evaluated: 2023-11-28. Review status: criteria provided, single submitter. Criteria: Invitae Variant Classification Sherloc (09022015). Collection method: clinical testing. Allele origin: germline.
Comment: This sequence change replaces proline, which is neutral and non-polar, with leucine, which is neutral and non-polar, at codon 1261 of the COL4A6 protein (p.Pro1261Leu). This variant is present in population databases (rs759348810, gnomAD 0.02%). This variant has not been reported in the literature in individuals affected with COL4A6-related conditions. ClinVar contains an entry for this variant (Variation ID: 1401434). Advanced modeling of protein sequence and biophysical properties (such as structural, functional, and spatial information, amino acid conservation, physicochemical variation, residue mobility, and thermodynamic stability) performed at Invitae indicates that this missense variant is not expected to disrupt COL4A6 protein function with a negative predictive value of 80%. In summary, the available evidence is currently insufficient to determine the role of this variant in disease. Therefore, it has been classified as a Variant of Uncertain Significance.